The following is an entry in ClinVar:

ClinVar aggregate classification (germline): Uncertain significance. Review status: criteria provided, multiple submitters, no conflicts (2 of 4 stars). 2 submissions from 2 submitters: Uncertain significance (2). Last evaluated 2025-07-31.

Conditions:
Immunodeficiency. Identifiers: MedGen C0021051, MONDO:0021094, HP:0002721.

Allele frequency attached by ClinVar (database versions not stated): TOPMed 0.00021; gnomAD 0.00025 and 0.00026; ESP Exome Variant Server 0.00031; 1000 Genomes Project 30x 0.00078; 1000 Genomes Project 0.00080; gnomAD exomes 0.00008; ExAC 0.00010.
gnomAD v4.1: 157 of 1,613,010 alleles (0.0097%); highest among the groups gnomAD compares: African/African-American, 0.04%; no homozygotes.

Submissions (2):

Ambry Genetics
Classification: Uncertain significance. Last evaluated: 2025-07-31. Review status: criteria provided, single submitter. Criteria: Ambry Variant Classification Scheme 2023. Collection method: clinical testing. Allele origin: germline.

Center for Genomics, Ann and Robert H. Lurie Children's Hospital of Chicago
Classification: Uncertain significance for Immunodeficiency. Last evaluated: 2021-03-30. Review status: criteria provided, single submitter. Criteria: ACMG Guidelines, 2015. Collection method: clinical testing. Allele origin: germline.
Comment: C8G NM_000606.2 exon5 p.Tyr181His (c.541T>C): This variant has not been reported in the literature but is present in 0.04% (10/24856) of African alleles in the Genome Aggregation Database. Evolutionary conservation suggests that this variant may not impact the protein; computational predictive tools for this variant are unclear. In summary, data on this variant is insufficient for disease classification. Therefore, the clinical significance of this variant is uncertain.

NM_000606.3(C8G):c.541T>C (p.Tyr181His)

Gene: C8G (complement C8 gamma chain; plus strand). Cytogenetic location: 9q34.3.
Variant type: single nucleotide variant.
Coding change: c.541T>C on transcript NM_000606.3 (MANE Select); coding-DNA position 541, T replaced by C.
Protein change: p.Tyr181His; replaces tyrosine 181 with histidine.
Molecular consequence: missense variant.
Genome position (GRCh38, 1-based): chr9:136,946,551, T>C. VCF-style: chr9-136946551-T-C. GRCh37 (hg19) VCF-style: chr9-139841003-T-C.
Other names: c.541T>C (NM_000606.2); short protein forms Y181H.
Identifiers: ClinVar variation 827972 (VCV000827972.4), dbSNP rs138632480, ClinGen allele CA5351742.